The following is an entry in ClinVar:

NM_001003722.2(GLE1):c.1925G>A (p.Trp642Ter)

Genes: GLE1 (GLE1 RNA export mediator; plus strand), LOC101929270 (uncharacterized LOC101929270; minus strand). Cytogenetic location: 9q34.11.
Variant type: single nucleotide variant.
Coding change: c.1925G>A on transcript NM_001003722.2 (MANE Select); coding-DNA position 1925, G replaced by A.
Protein change: p.Trp642Ter; replaces tryptophan 642 with a stop codon.
Molecular consequence: nonsense.
Genome position (GRCh38, 1-based): chr9:128,539,659, G>A. VCF-style: chr9-128539659-G-A. GRCh37 (hg19) VCF-style: chr9-131301938-G-A.
Other names: c.1952G>A, p.Trp651Ter (NM_001411013.1); c.1925G>A, p.Trp642Ter (NM_001499.2); short protein forms W642*, W651*.
Identifiers: ClinVar variation 2040335 (VCV002040335.4), dbSNP rs754578389, ClinGen allele CA5264001.

ClinVar aggregate classification (germline): Pathogenic (1 of 4 stars; one submission).

Allele frequency attached by ClinVar (database versions not stated): ExAC 0.00002; gnomAD exomes 0.00002.
gnomAD v4.1: 10 of 1,611,834 alleles (0.00062%); highest among the groups gnomAD compares: Non-Finnish European, 0.00076%; no homozygotes.

Submission:

Labcorp Genetics (formerly Invitae), Labcorp
Classification: Pathogenic. Last evaluated: 2022-09-07. Review status: criteria provided, single submitter. Criteria: Invitae Variant Classification Sherloc (09022015). Collection method: clinical testing. Allele origin: germline.
Comment: For these reasons, this variant has been classified as Pathogenic. This variant has not been reported in the literature in individuals affected with GLE1-related conditions. This variant is present in population databases (rs754578389, gnomAD 0.003%). This sequence change creates a premature translational stop signal (p.Trp642*) in the GLE1 gene. It is expected to result in an absent or disrupted protein product. Loss-of-function variants in GLE1 are known to be pathogenic (PMID: 18204449, 24243016, 27684565).

Literature cited by the submitters: PubMed 18204449; PubMed 24243016; PubMed 27684565.